The following is an entry in ClinVar:

ClinVar aggregate classification (germline): Uncertain significance (1 of 4 stars; one submission).

Submission:

CeGaT Center for Human Genetics Tuebingen
Classification: Uncertain significance. Last evaluated: 2024-05-01. Review status: criteria provided, single submitter. Criteria: CeGaT Center For Human Genetics Tuebingen Variant Classification Criteria Version 2. Collection method: clinical testing. Allele origin: germline. Affected: yes. Observed: 1 variant allele.
Comment: TMEM127: PM2, PVS1:Moderate

NM_017849.4(TMEM127):c.-9_15delinsCCGCCCGGAGCGACGGCG (p.Met1_Gly5delinsAlaThrAla)

Genes: TMEM127 (transmembrane protein 127; minus strand), LOC129934333 (ATAC-STARR-seq lymphoblastoid silent region 11759; plus strand). Cytogenetic location: 2q11.2.
Variant type: Indel.
Coding change: c.-9_15delinsCCGCCCGGAGCGACGGCG on transcript NM_017849.4 (MANE Select); 9 bases upstream of the start codon through coding-DNA position 15, GCCCCGGGCATGTACGCCCCCGGA replaced by CCGCCCGGAGCGACGGCG.
Protein change: p.Met1_Gly5delinsAlaThrAla.
Molecular consequence: initiator codon variant. On other transcripts: intron variant (1).
Genome position (GRCh38, 1-based): chr2:96,265,367-96,265,390, TCCGGGGGCGTACATGCCCGGGGC replaced by CGCCGTCGCTCCGGGCGG on the plus strand (GCCCCGGGCATGTACGCCCCCGGA replaced by CCGCCCGGAGCGACGGCG on the coding strand, the reverse complement: TMEM127 is on the minus strand). GRCh37 (hg19): chr2:96,931,105-96,931,128.
Other names: c.-9_15delinsCCGCCCGGAGCGACGGCG, p.Met1_Gly5delinsAlaThrAla (NM_001193304.3); c.-9+479_-9+502delinsCCGCCCGGAGCGACGGCG (NM_001407283.1).
Identifiers: ClinVar variation 3239613 (VCV003239613.19), dbSNP rs2467286334.
Genomic context (GRCh38, chr2:96,265,367, plus strand): 5'-CTTGGGCAGAGCGCTGCCTCCCGGGCTCCTCCGCCGGCGCCCGCCGGGCAGCCCTGCGCC[TCCGGGGGCGTACATGCCCGGGGC>CGCCGTCGCTCCGGGCGG]CGCCCGCCGTCGCTCCGCAGTCGCTGCTGGTCGCCGCCGACCTCCGCGGGGCGCGCAGAG-3'